The following is an entry in ClinVar:

NM_006445.4(PRPF8):c.5674C>A (p.Pro1892Thr)

Gene: PRPF8 (pre-mRNA processing factor 8; minus strand). Cytogenetic location: 17p13.3.
Variant type: single nucleotide variant.
Coding change: c.5674C>A on transcript NM_006445.4 (MANE Select); coding-DNA position 5674, C replaced by A.
Protein change: p.Pro1892Thr; replaces proline 1892 with threonine.
Molecular consequence: missense variant.
Genome position (GRCh38, 1-based): chr17:1,656,511, G>T on the plus strand (C>A on the coding strand, the complement: PRPF8 is on the minus strand). VCF-style: chr17-1656511-G-T. GRCh37 (hg19) VCF-style: chr17-1559805-G-T.
Other names: short protein forms P1892T.
Identifiers: ClinVar variation 3361439 (VCV003361439.1).

ClinVar aggregate classification (germline): Uncertain significance (1 of 4 stars; one submission).

Submission:

GeneDx
Classification: Uncertain significance. Last evaluated: 2023-07-31. Review status: criteria provided, single submitter. Criteria: GeneDx Variant Classification Process June 2021. Collection method: clinical testing. Allele origin: germline. Affected: yes.
Comment: Not observed at significant frequency in large population cohorts (gnomAD); In silico analysis supports that this missense variant has a deleterious effect on protein structure/function; Has not been previously published as pathogenic or benign to our knowledge